The following is an entry in ClinVar:

NM_001048174.2(MUTYH):c.184G>T (p.Val62Leu)

Gene: MUTYH (mutY DNA glycosylase; minus strand). Cytogenetic location: 1p34.1.
Variant type: single nucleotide variant.
Coding change: c.184G>T on transcript NM_001048174.2 (MANE Select); coding-DNA position 184, G replaced by T.
Protein change: p.Val62Leu; replaces valine 62 with leucine.
Molecular consequence: missense variant. On other transcripts: 5 prime UTR variant (4), non-coding transcript variant (2).
Genome position (GRCh38, 1-based): chr1:45,333,493, C>A on the plus strand (G>T on the coding strand, the complement: MUTYH is on the minus strand). VCF-style: chr1-45333493-C-A. GRCh37 (hg19) VCF-style: chr1-45799165-C-A.
Other names: c.184G>T, p.Val62Leu (NM_001048171.2, NM_001048173.2, NM_001293195.2); c.187G>T, p.Val63Leu (NM_001048172.2); c.268G>T, p.Val90Leu (NM_001128425.2); c.229G>T, p.Val77Leu (NM_001293190.2); c.217G>T, p.Val73Leu (NM_001293191.2); c.-93G>T (NM_001293192.2, NM_001293196.2); c.-88G>T (NM_001350650.2, NM_001350651.2); c.259G>T, p.Val87Leu (NM_012222.3); short protein forms V77L, V62L, V63L, V73L, V87L, V90L.
Identifiers: ClinVar variation 927794 (VCV000927794.7), dbSNP rs375526246, ClinGen allele CA057207.

ClinVar aggregate classification (germline): Conflicting classifications of pathogenicity. Review status: criteria provided, conflicting classifications (1 of 4 stars). 3 submissions from 3 submitters: Uncertain significance (2); Benign (1). Last evaluated 2025-09-09.

Conditions:
Hereditary cancer-predisposing syndrome. Also called: Neoplastic Syndromes, Hereditary; Tumor predisposition; Hereditary Cancer Syndrome; Hereditary neoplastic syndrome. Identifiers: Orphanet 140162, MedGen C0027672, MeSH D009386, MONDO:0015356.
Familial adenomatous polyposis 2. Also called: Adenomas, multiple colorectal; MUTYH Polyposis; COLORECTAL ADENOMATOUS POLYPOSIS, AUTOSOMAL RECESSIVE; ADENOMAS, MULTIPLE COLORECTAL, AUTOSOMAL RECESSIVE; MUTYH-associated polyposis; MUTYH-related attenuated familial adenomatous polyposis. Identifiers: Orphanet 220460, Orphanet 247798, MedGen C3272841, MONDO:0012041, OMIM 608456.

gnomAD v4.1: 3 of 1,614,228 alleles (0.00019%); highest among the groups gnomAD compares: South Asian, 0.0033%; no homozygotes.

Submissions (3):

Ambry Genetics
Classification: Benign for Hereditary cancer-predisposing syndrome. Last evaluated: 2025-09-09. Review status: criteria provided, single submitter. Criteria: Ambry Variant Classification Scheme 2023. Collection method: clinical testing. Allele origin: germline.

Labcorp Genetics (formerly Invitae), Labcorp
Classification: Uncertain significance for Familial adenomatous polyposis 2. Last evaluated: 2025-07-30. Review status: criteria provided, single submitter. Criteria: Invitae Variant Classification Sherloc (09022015). Collection method: clinical testing. Allele origin: germline.
Comment: This sequence change replaces valine, which is neutral and non-polar, with leucine, which is neutral and non-polar, at codon 90 of the MUTYH protein (p.Val90Leu). This variant is present in population databases (rs375526246, gnomAD 0.003%). This variant has not been reported in the literature in individuals affected with MUTYH-related conditions. ClinVar contains an entry for this variant (Variation ID: 927794). An algorithm developed to predict the effect of missense changes on protein structure and function (PolyPhen-2) suggests that this variant is likely to be tolerated. In summary, the available evidence is currently insufficient to determine the role of this variant in disease. Therefore, it has been classified as a Variant of Uncertain Significance.

Color Diagnostics, LLC DBA Color Health
Classification: Uncertain significance for Hereditary cancer-predisposing syndrome. Last evaluated: 2023-12-05. Review status: criteria provided, single submitter. Criteria: ACMG Guidelines, 2015. Collection method: clinical testing. Allele origin: germline.
Comment: This missense variant replaces valine with leucine at codon 90 of the MUTYH protein. Computational prediction suggests that this variant may not impact protein structure and function (internally defined REVEL score threshold <= 0.5, PMID: 27666373). To our knowledge, functional studies have not been reported for this variant. This variant has not been reported in individuals affected with MUTYH-related disorders in the literature. This variant has been identified in 1/251488 chromosomes in the general population by the Genome Aggregation Database (gnomAD). The available evidence is insufficient to determine the role of this variant in disease conclusively. Therefore, this variant is classified as a Variant of Uncertain Significance.